The following is an entry in ClinVar:

NM_000179.3(MSH6):c.2974GAA[1] (p.Glu993del)

Gene: MSH6 (mutS homolog 6; plus strand). Cytogenetic location: 2p16.3.
Variant type: Microsatellite.
Coding change: c.2974GAA[1] on transcript NM_000179.3 (MANE Select); one copy of the 3-base unit GAA starting at c.2974; the reference has two copies in a row; one copy, 3 bases deleted.
Protein change: p.Glu993del; deletes glutamic acid 993.
Molecular consequence: inframe deletion. On other transcripts: inframe indel (36).
Genome position (GRCh38, 1-based): chr2:47,800,960-47,800,962, GAA deleted; deleting any 3 consecutive bases within chr2:47,800,956-47,800,962 gives the same sequence; the position shown is the placement nearest the transcript's 3' end. VCF-style (leftmost placement, unchanged base first): chr2-47800955-CAGA-C. GRCh37 (hg19) VCF-style: chr2-48028094-CAGA-C.
Other names: c.2806_2808GAA[1], p.Glu937del (NM_001406826.1); c.2677_2679GAA[1], p.Glu894del (NM_001406828.1, NM_001406830.1, NM_001406827.1 and 10 more transcripts); c.2068_2070GAA[1], p.Glu691del (NM_001406829.1, NM_001406811.1, NM_001406812.1 and 4 more transcripts); c.919_921GAA[1], p.Glu308del (NM_001407362.1); c.2974_2976GAA[1], p.Glu993del (NM_000179.2, NM_001406796.1, NM_001406798.1 and 3 more transcripts); c.2584GAA[1], p.Glu863del (NM_001281492.2); c.2068GAA[1], p.Glu691del (NM_001281493.2, NM_001281494.2); c.3070_3072GAA[1], p.Glu1025del (NM_001406795.1, NM_001406802.1); and 4 more; short protein forms E1025del, E993del, E818del, E937del, E995del, E308del, E691del, E894del.
Identifiers: ClinVar variation 1798336 (VCV001798336.5), dbSNP rs1558667502, ClinGen allele CA916529328.

ClinVar aggregate classification (germline): Uncertain significance. Review status: criteria provided, multiple submitters, no conflicts (2 of 4 stars). 2 submissions from 2 submitters: Uncertain significance (2). Last evaluated 2026-01-06.

Conditions:
Hereditary cancer-predisposing syndrome. Also called: Neoplastic Syndromes, Hereditary; Tumor predisposition; Hereditary Cancer Syndrome; Hereditary neoplastic syndrome. Identifiers: Orphanet 140162, MedGen C0027672, MeSH D009386, MONDO:0015356.
Hereditary nonpolyposis colorectal neoplasms. Identifiers: MedGen C0009405, MeSH D003123.

Submissions (2):

Labcorp Genetics (formerly Invitae), Labcorp
Classification: Uncertain significance for Hereditary nonpolyposis colorectal neoplasms. Last evaluated: 2026-01-06. Review status: criteria provided, single submitter. Criteria: Invitae Variant Classification Sherloc (09022015). Collection method: clinical testing. Allele origin: germline.
Comment: This variant, c.2977_2979del, results in the deletion of 1 amino acid(s) of the MSH6 protein (p.Glu993del), but otherwise preserves the integrity of the reading frame. This variant is not present in population databases (gnomAD no frequency). This variant has not been reported in the literature in individuals affected with MSH6-related conditions. Experimental studies and prediction algorithms are not available or were not evaluated, and the functional significance of this variant is currently unknown. In summary, the available evidence is currently insufficient to determine the role of this variant in disease. Therefore, it has been classified as a Variant of Uncertain Significance.

Ambry Genetics
Classification: Uncertain significance for Hereditary cancer-predisposing syndrome. Last evaluated: 2022-06-07. Review status: criteria provided, single submitter. Criteria: Ambry Variant Classification Scheme 2023. Collection method: clinical testing. Allele origin: germline.
Comment: The c.2977_2979delGAA variant (also known as p.E993del) is located in coding exon 4 of the MSH6 gene. This variant results from an in-frame GAA deletion at nucleotide positions 2977 to 2979. This results in the in-frame deletion of a glutamic acid at codon 993. This amino acid position is well conserved in available vertebrate species. In addition, the in silico prediction for this alteration is inconclusive (Choi Y et al. PLoS ONE. 2012; 7(10):e46688). Since supporting evidence is limited at this time, the clinical significance of this alteration remains unclear.